The following is an entry in ClinVar:

ClinVar aggregate classification (germline): Uncertain significance (1 of 4 stars; one submission).

Submission:

CeGaT Center for Human Genetics Tuebingen
Classification: Uncertain significance. Last evaluated: 2023-10-01. Review status: criteria provided, single submitter. Criteria: CeGaT Center For Human Genetics Tuebingen Variant Classification Criteria Version 2. Collection method: clinical testing. Allele origin: germline. Affected: yes. Observed: 1 variant allele.
Comment: FGFR1: PM2, PP3

NM_023110.3(FGFR1):c.1808G>A (p.Cys603Tyr)

Gene: FGFR1 (fibroblast growth factor receptor 1; minus strand). Cytogenetic location: 8p11.23.
Variant type: single nucleotide variant.
Coding change: c.1808G>A on transcript NM_023110.3 (MANE Select); coding-DNA position 1808, G replaced by A.
Protein change: p.Cys603Tyr; replaces cysteine 603 with tyrosine.
Molecular consequence: missense variant.
Genome position (GRCh38, 1-based): chr8:38,415,916, C>T on the plus strand (G>A on the coding strand, the complement: FGFR1 is on the minus strand). VCF-style: chr8-38415916-C-T. GRCh37 (hg19) VCF-style: chr8-38273434-C-T.
Other names: c.1808G>A, p.Cys603Tyr (NM_000604.2); c.1802G>A, p.Cys601Tyr (NM_001174063.2, NM_001174065.2, NM_001354367.2 and 1 more transcripts); c.1778G>A, p.Cys593Tyr (NM_001174064.2); c.1541G>A, p.Cys514Tyr (NM_001174066.2, NM_023105.3); c.1901G>A, p.Cys634Tyr (NM_001174067.2); c.1529G>A, p.Cys510Tyr (NM_001354368.2); c.1796G>A, p.Cys599Tyr (NM_001354369.2, NM_001410922.1); c.1535G>A, p.Cys512Tyr (NM_001354370.2, NM_023106.3); short protein forms C510Y, C512Y, C514Y, C593Y, C599Y, C601Y, C603Y, C634Y.
Identifiers: ClinVar variation 2658547 (VCV002658547.24), dbSNP rs1424914793, ClinGen allele CA370731616.